The following is an entry in ClinVar:

ClinVar aggregate classification (germline): Uncertain significance (1 of 4 stars; one submission).

Conditions:
Hereditary cancer-predisposing syndrome. Also called: Tumor predisposition; Neoplastic Syndromes, Hereditary; Hereditary Cancer Syndrome; Hereditary neoplastic syndrome. Identifiers: Orphanet 140162, MedGen C0027672, MeSH D009386, MONDO:0015356.

Submission:

Ambry Genetics
Classification: Uncertain significance for Hereditary cancer-predisposing syndrome. Last evaluated: 2023-06-13. Review status: criteria provided, single submitter. Criteria: Ambry Variant Classification Scheme 2023. Collection method: clinical testing. Allele origin: germline.
Comment: The p.S106N variant (also known as c.317G>A), located in coding exon 1 of the CDKN1B gene, results from a G to A substitution at nucleotide position 317. The serine at codon 106 is replaced by asparagine, an amino acid with highly similar properties. This amino acid position is not well conserved in available vertebrate species. In addition, this alteration is predicted to be tolerated by in silico analysis. Since supporting evidence is limited at this time, the clinical significance of this alteration remains unclear.

NM_004064.5(CDKN1B):c.317G>A (p.Ser106Asn)

Gene: CDKN1B (cyclin dependent kinase inhibitor 1B; plus strand). Cytogenetic location: 12p13.1.
Variant type: single nucleotide variant.
Coding change: c.317G>A on transcript NM_004064.5 (MANE Select); coding-DNA position 317, G replaced by A.
Protein change: p.Ser106Asn; replaces serine 106 with asparagine.
Molecular consequence: missense variant.
Genome position (GRCh38, 1-based): chr12:12,718,156, G>A. VCF-style: chr12-12718156-G-A. GRCh37 (hg19) VCF-style: chr12-12871090-G-A.
Other names: short protein forms S106N.
Identifiers: ClinVar variation 1728521 (VCV001728521.3), dbSNP rs936889164, ClinGen allele CA383970189.
Genomic context (GRCh38, chr12:12,718,156, plus strand): 5'-AGTTCTACTACAGACCCCCGCGGCCCCCCAAAGGTGCCTGCAAGGTGCCGGCGCAGGAGA[G>A]CCAGGATGTCAGCGGGAGCCGCCCGGCGGCGCCTTTAATTGGGGCTCCGGCTAACTCTGA-3'
Protein context (NP_004055.1, residues 96-116): KGACKVPAQE[Ser106Asn]QDVSGSRPAA